The following is an entry in ClinVar:

ClinVar aggregate classification (germline): Uncertain significance. Review status: criteria provided, multiple submitters, no conflicts (2 of 4 stars). 2 submissions from 2 submitters: Uncertain significance (2). Last evaluated 2026-07-18.

Conditions:
Hereditary cancer-predisposing syndrome. Also called: Hereditary Cancer Syndrome; Hereditary neoplastic syndrome; Neoplastic Syndromes, Hereditary; Tumor predisposition. Identifiers: Orphanet 140162, MedGen C0027672, MeSH D009386, MONDO:0015356.

Submissions (2):

Ambry Genetics
Classification: Uncertain significance for Hereditary cancer-predisposing syndrome. Last evaluated: 2026-07-18. Review status: criteria provided, single submitter. Criteria: Ambry Variant Classification Scheme 2023. Collection method: clinical testing. Allele origin: germline.
Comment: The p.P232S variant (also known as c.694C>T), located in coding exon 5 of the CTNNA1 gene, results from a C to T substitution at nucleotide position 694. The proline at codon 232 is replaced by serine, an amino acid with similar properties. This amino acid position is conserved. In addition, the in silico prediction for this alteration is inconclusive. Based on the available evidence, the clinical significance of this variant remains unclear.

Labcorp Genetics (formerly Invitae), Labcorp
Classification: Uncertain significance. Last evaluated: 2023-06-23. Review status: criteria provided, single submitter. Criteria: Invitae Variant Classification Sherloc (09022015). Collection method: clinical testing. Allele origin: germline.
Comment: In summary, the available evidence is currently insufficient to determine the role of this variant in disease. Therefore, it has been classified as a Variant of Uncertain Significance. Advanced modeling of protein sequence and biophysical properties (such as structural, functional, and spatial information, amino acid conservation, physicochemical variation, residue mobility, and thermodynamic stability) performed at Invitae indicates that this missense variant is not expected to disrupt CTNNA1 protein function. This variant has not been reported in the literature in individuals affected with CTNNA1-related conditions. This variant is not present in population databases (gnomAD no frequency). This sequence change replaces proline, which is neutral and non-polar, with serine, which is neutral and polar, at codon 232 of the CTNNA1 protein (p.Pro232Ser).

NM_001903.5(CTNNA1):c.694C>T (p.Pro232Ser)

Gene: CTNNA1 (catenin alpha 1; plus strand). Cytogenetic location: 5q31.2.
Variant type: single nucleotide variant.
Coding change: c.694C>T on transcript NM_001903.5 (MANE Select); coding-DNA position 694, C replaced by T.
Protein change: p.Pro232Ser; replaces proline 232 with serine.
Molecular consequence: missense variant.
Genome position (GRCh38, 1-based): chr5:138,824,635, C>T. VCF-style: chr5-138824635-C-T. GRCh37 (hg19) VCF-style: chr5-138160324-C-T.
Other names: c.694C>T, p.Pro232Ser (NM_001290307.3, NM_001323982.2, NM_001323983.1 and 3 more transcripts); c.385C>T, p.Pro129Ser (NM_001290309.3); c.325C>T, p.Pro109Ser (NM_001290310.3); c.694C>T (NM_001903.2); short protein forms P129S, P232S, P109S.
Identifiers: ClinVar variation 3005330 (VCV003005330.4), dbSNP rs2149775967, ClinGen allele CA361129749.
Genomic context (GRCh38, chr5:138,824,635, plus strand): 5'-GGAATCCTGCAGAAGAACGTTCCGATCCTCTATACTGCATCCCAGGCATGCCTACAGCAC[C>T]CTGATGTCGCAGCCTATAAGGCCAACAGGGACCTGATATACAAGCAGCTGCAGCAGGCGG-3'
Protein context (NP_001894.2, residues 222-242): YTASQACLQH[Pro232Ser]DVAAYKANRD